The following is an entry in ClinVar:

ClinVar aggregate classification (germline): Pathogenic (1 of 4 stars; one submission).

Conditions:
Glycogen storage disease type III (GSD3). Also called: Cori disease; FORBES DISEASE. Identifiers: Orphanet 366, MedGen C0017922, MONDO:0009291, OMIM 232400.

Submission:

Labcorp Genetics (formerly Invitae), Labcorp
Classification: Pathogenic for Glycogen storage disease type III. Last evaluated: 2020-03-17. Review status: criteria provided, single submitter. Criteria: Invitae Variant Classification Sherloc (09022015). Collection method: clinical testing. Allele origin: germline.
Comment: For these reasons, this variant has been classified as Pathogenic. This variant has not been reported in the literature in individuals with AGL-related conditions. Loss-of-function variants in AGL are known to be pathogenic (PMID: 19299494). This variant is not present in population databases (ExAC no frequency). This sequence change creates a premature translational stop signal (p.Glu1343*) in the AGL gene. It is expected to result in an absent or disrupted protein product.

Literature cited by the submitters: PubMed 19299494.

NM_000642.3(AGL):c.4027G>T (p.Glu1343Ter)

Gene: AGL (amylo-alpha-1,6-glucosidase and 4-alpha-glucanotransferase; plus strand). Cytogenetic location: 1p21.2.
Variant type: single nucleotide variant.
Coding change: c.4027G>T on transcript NM_000642.3 (MANE Select); coding-DNA position 4027, G replaced by T.
Protein change: p.Glu1343Ter; replaces glutamic acid 1343 with a stop codon.
Molecular consequence: nonsense.
Genome position (GRCh38, 1-based): chr1:99,913,604, G>T. VCF-style: chr1-99913604-G-T. GRCh37 (hg19) VCF-style: chr1-100379160-G-T.
Other names: c.4027G>T, p.Glu1343Ter (NM_000028.3, NM_000643.3, NM_000644.3 and 1 more transcripts); c.3979G>T, p.Glu1327Ter (NM_000646.3); c.4006G>T, p.Glu1336Ter (NM_001425326.1); c.3826G>T, p.Glu1276Ter (NM_001425327.1); c.3823G>T, p.Glu1275Ter (NM_001425328.1); c.3688G>T, p.Glu1230Ter (NM_001425329.1); c.3649G>T, p.Glu1217Ter (NM_001425332.1); short protein forms E1327*, E1343*, E1217*, E1230*, E1275*, E1276*, E1336*.
Identifiers: ClinVar variation 1070429 (VCV001070429.7), dbSNP rs112795811, ClinGen allele CA341339757.